The following is an entry in ClinVar:

NM_000384.3(APOB):c.4043T>C (p.Leu1348Pro)

Gene: APOB (apolipoprotein B; minus strand). Cytogenetic location: 2p24.1.
Variant type: single nucleotide variant.
Coding change: c.4043T>C on transcript NM_000384.3 (MANE Select); coding-DNA position 4043, T replaced by C.
Protein change: p.Leu1348Pro; replaces leucine 1348 with proline.
Molecular consequence: missense variant.
Genome position (GRCh38, 1-based): chr2:21,013,333, A>G on the plus strand (T>C on the coding strand, the complement: APOB is on the minus strand). VCF-style: chr2-21013333-A-G. GRCh37 (hg19) VCF-style: chr2-21236205-A-G.
Other names: short protein forms L1348P.
Identifiers: ClinVar variation 4686201 (VCV004686201.1).

ClinVar aggregate classification (germline): Uncertain significance (1 of 4 stars; one submission).

Submission:

GeneDx
Classification: Uncertain significance. Last evaluated: 2025-07-14. Review status: criteria provided, single submitter. Criteria: GeneDx Variant Classification Process June 2021. Collection method: clinical testing. Allele origin: germline. Affected: yes.
Comment: Not observed at significant frequency in large population cohorts (gnomAD); In silico analysis supports that this missense variant has a deleterious effect on protein structure/function; Has not been previously published as pathogenic or benign to our knowledge